The following is an entry in ClinVar:

NM_022081.6(HPS4):c.803+1G>A

Gene: HPS4 (HPS4 biogenesis of lysosomal organelles complex 3 subunit 2; minus strand). Cytogenetic location: 22q12.1.
Variant type: single nucleotide variant.
Coding change: c.803+1G>A on transcript NM_022081.6 (MANE Select); the canonical splice donor site of the intron after coding-DNA position 803, G replaced by A.
Molecular consequence: splice donor variant.
Genome position (GRCh38, 1-based): chr22:26,465,454, C>T on the plus strand (G>A on the coding strand, the complement: HPS4 is on the minus strand). VCF-style: chr22-26465454-C-T. GRCh37 (hg19) VCF-style: chr22-26861420-C-T.
Other names: c.803+1G>A (NM_001349905.1, NM_001349904.2, NM_001349902.1 and 5 more transcripts); c.857+1G>A (NM_001349901.1, NM_001349900.2); c.788+1G>A (NM_152841.2).
Identifiers: ClinVar variation 1878344 (VCV001878344.1), dbSNP rs1476012328, ClinGen allele CA411028953.

ClinVar aggregate classification (germline): Likely pathogenic (1 of 4 stars; one submission).

Conditions:
Hermansky-Pudlak syndrome (HPS). Also called: ALBINISM WITH HEMORRHAGIC DIATHESIS AND PIGMENTED RETICULOENDOTHELIAL CELLS. Identifiers: Orphanet 79430, MedGen C0079504, MONDO:0019312.

Allele frequency attached by ClinVar (database versions not stated): TOPMed below 0.00001; gnomAD 0.00001.
gnomAD v4.1: 1 of 1,606,870 alleles (0.000062%); highest among the groups gnomAD compares: African/African-American, 0.0013%; no homozygotes.

Submission:

Women's Health and Genetics/Laboratory Corporation of America, LabCorp
Classification: Likely pathogenic for Hermansky-Pudlak syndrome. Last evaluated: 2022-12-19. Review status: criteria provided, single submitter. Criteria: LabCorp Variant Classification Summary - May 2015. Collection method: clinical testing. Allele origin: germline.
Comment: Variant summary: HPS4 c.803+1G>A is located in a canonical splice-site and is predicted to affect mRNA splicing resulting in a significantly altered protein due to either exon skipping, shortening, or inclusion of intronic material. Several computational tools predict a significant impact on normal splicing: Three predict the variant abolishes a canonical 5' splicing donor site. However, these predictions have yet to be confirmed by functional studies. The variant was absent in 251482 control chromosomes. To our knowledge, no occurrence of c.803+1G>A in individuals affected with Hermansky-Pudlak Syndrome and no experimental evidence demonstrating its impact on protein function have been reported. No clinical diagnostic laboratories have submitted clinical-significance assessments for this variant to ClinVar after 2014. Based on the evidence outlined above, the variant was classified as likely pathogenic.